The following is an entry in ClinVar:

NM_000069.3(CACNA1S):c.3356A>G (p.Tyr1119Cys)

Gene: CACNA1S (calcium voltage-gated channel subunit alpha1 S; minus strand). Cytogenetic location: 1q32.1.
Variant type: single nucleotide variant.
Coding change: c.3356A>G on transcript NM_000069.3 (MANE Select); coding-DNA position 3356, A replaced by G.
Protein change: p.Tyr1119Cys; replaces tyrosine 1119 with cysteine.
Molecular consequence: missense variant.
Genome position (GRCh38, 1-based): chr1:201,060,716, T>C on the plus strand (A>G on the coding strand, the complement: CACNA1S is on the minus strand). VCF-style: chr1-201060716-T-C. GRCh37 (hg19) VCF-style: chr1-201029844-T-C.
Other names: short protein forms Y1119C.
Identifiers: ClinVar variation 3072871 (VCV003072871.1), dbSNP rs2464494709, ClinGen allele CA344160498.
Genomic context (GRCh38, chr1:201,060,716, plus strand): 5'-ACCTGCATGCCGAGGCAGATGGTGTTGAGCATGATGAGGGCAAACATCAGGTATTCAAAG[T>C]AGGAGGAGGTGACAATGTACCACACCTGGTACTGGTATGGGTTTTTGGGAATGTAGCACC-3'
Protein context (NP_000060.2, residues 1109-1129): YQVWYIVTSS[Tyr1119Cys]FEYLMFALIM

ClinVar aggregate classification (germline): Uncertain significance (1 of 4 stars; one submission).

Conditions:
Malignant hyperthermia, susceptibility to, 5 (MHS5). Also called: CACNA1S-Related Malignant Hyperthermia Susceptibility. Identifiers: Orphanet 423, MedGen C1866077, MONDO:0011163, OMIM 601887.

Allele frequency attached by ClinVar (database versions not stated): gnomAD exomes below 0.00001.
gnomAD v4.1: 4 of 1,614,142 alleles (0.00025%); highest among the groups gnomAD compares: East Asian, 0.0022%; no homozygotes.

Submission:

All of Us Research Program, National Institutes of Health
Classification: Uncertain significance for Malignant hyperthermia, susceptibility to, 5. Last evaluated: 2023-08-15. Review status: criteria provided, single submitter. Criteria: ACMG Guidelines, 2015. Collection method: clinical testing. Allele origin: germline. Inheritance: Autosomal dominant inheritance. Observed: 1 variant allele, 1 heterozygote.
Comment: This missense variant replaces tyrosine with cysteine at codon 1119 of the CACNA1S protein. Computational prediction suggests that this variant may have deleterious impact on protein structure and function (internally defined REVEL score threshold >= 0.7, PMID: 27666373). To our knowledge, functional studies have not been reported for this variant. This variant has not been reported in individuals affected with CACNA1S-related disorders in the literature. This variant has not been identified in the general population by the Genome Aggregation Database (gnomAD). The available evidence is insufficient to determine the role of this variant in disease conclusively. Therefore, this variant is classified as a Variant of Uncertain Significance.

This study involves interpretation of variants in research participants for the purpose of population health screening. Participant phenotype was not available at the time of variant classification. Additional details can be found in publication PMID: 35346344, PMCID: PMC8962531